The following is an entry in ClinVar:

ClinVar aggregate classification (germline): Pathogenic. Review status: reviewed by expert panel (3 of 4 stars). 22 submissions from 22 submitters: Pathogenic (1). 21 of the submissions do not count toward it. Last evaluated 2018-08-13.

Conditions:
PAH-related disorder. Also called: PAH-related condition.
Phenylketonuria (PKU). Also called: OLIGOPHRENIA PHENYLPYRUVICA; FOLLING DISEASE; Phenylketonuria (PKU); Phenylketonurias. Identifiers: Orphanet 716, MedGen C0031485, MONDO:0009861, OMIM 261600. Disease mechanism: loss of function.
Hyperphenylalaninemia. Also called: Hyperphenylalaninemia, non-pku; Hyperphenylalaninaemia; Hyperphenylalaninemia (HPA). Identifiers: MedGen C0751435, HP:0004923.

Allele frequency attached by ClinVar (database versions not stated): ExAC 0.00003; TOPMed 0.00003; gnomAD 0.00004; gnomAD exomes 0.00004 and 0.00006.
gnomAD v4.1: 94 of 1,613,868 alleles (0.0058%); highest among the groups gnomAD compares: Non-Finnish European, 0.0075%; no homozygotes.

Submissions 1 to 11 of 22:

ClinGen PAH Variant Curation Expert Panel
Classification: Pathogenic for Phenylketonuria. Last evaluated: 2018-08-13. Review status: reviewed by expert panel. Criteria: ClinGen PAH ACMG Specifications v1. Collection method: curation. Allele origin: germline. Inheritance: Autosomal recessive inheritance.
Comment: PAH-specific ACMG/AMP criteria applied: PVS1: Canonical +1 splice site; PM2: gnomAD MAF 0.00008; PP4: Reported in 3 PKU populations: Slovak, Germany, Italy (PMID:1671810; PMID:10394930; PMID:23764561); PM3: (PMID:20188615; PMID:24941924). In summary this variant meets criteria to be classified as pathogenic for phenylketonuria in an autosomal recessive manner based on the ACMG/AMP criteria applied as specified by the PAH Expert Panel: (PVS1, PM2, PP4, PM3).

OLLIN Analises Genomicas, OLLIN
Classification: Pathogenic for Phenylketonuria. Last evaluated: 2026-08-06. Review status: criteria provided, single submitter. Criteria: ACMG Guidelines 2015 PMID 25741868. Collection method: clinical testing. Allele origin: germline. Inheritance: Autosomal recessive inheritance. Not counted in ClinVar's aggregate classification.
Comment: This variant, located at the canonical splicing site (splice donor), has been reported in ClinVar (accession VCV000102869.2), in gnomAD with an allele frequency of 0.0058%, and in the scientific literature, in compound heterozygosity, in individuals with PAH related disorders (PMID: 30311390, 32668217, 20188615, 24941924, 1671810, 10394930, 23764561). This variant is predicted to disrupt a canonical splice site, potentially leading to exon skipping, mRNA degradation via nonsense-mediated decay (NMD), or production of a truncated protein. Another pathogenic variant has been reported to result in the same amino acid substitution (PMID: 30311390). According to the currently available evidence, this variant has been classified as pathogenic (PVS1, PS1_P, PM2_P, PM3_VS, PP4_M).

CeGaT Center for Human Genetics Tuebingen
Classification: Pathogenic. Last evaluated: 2026-05-01. Review status: criteria provided, single submitter. Criteria: CeGaT Center For Human Genetics Tuebingen Variant Classification Criteria Version 2. Collection method: clinical testing. Allele origin: germline. Affected: yes. Observed: 5 variant alleles. Not counted in ClinVar's aggregate classification.
Comment: PAH: PM3:Very Strong, PVS1, PM2, PP4:Moderate

Labcorp Genetics (formerly Invitae), Labcorp
Classification: Pathogenic for Phenylketonuria. Last evaluated: 2025-12-14. Review status: criteria provided, single submitter. Criteria: Invitae Variant Classification Sherloc (09022015). Collection method: clinical testing. Allele origin: germline. Not counted in ClinVar's aggregate classification.
Comment: This sequence change affects a donor splice site in intron 7 of the PAH gene. It is expected to disrupt RNA splicing. Variants that disrupt the donor or acceptor splice site typically lead to a loss of protein function (PMID: 16199547), and loss-of-function variants in PAH are known to be pathogenic (PMID: 1301187, 9634518). This variant is present in population databases (rs5030852, gnomAD 0.008%). Disruption of this splice site has been observed in individual(s) with phenylketonuria (PMID: 16256386, 20188615, 23764561, 24941924). This variant is also known as IVS VII-1G>A and IVS7+1G>A. ClinVar contains an entry for this variant (Variation ID: 599). Algorithms developed to predict the effect of sequence changes on RNA splicing suggest that this variant may disrupt the consensus splice site. For these reasons, this variant has been classified as Pathogenic.

Natera, Inc.
Classification: Pathogenic for Phenylketonuria. Last evaluated: 2025-12-10. Review status: criteria provided, single submitter. Criteria: Natera Variant Classification Schema (03/2026). Collection method: clinical testing. Allele origin: germline. Not counted in ClinVar's aggregate classification.
Comment: The c.842+1G>A variant in PAH is a canonical splice donor site variant predicted to affect pre-mRNA splicing, which may result in an abnormal transcript and altered protein product. This variant is expected to result in nonsense mediated decay, truncation, or a dysfunctional protein product. This variant is rare in the general population with a frequency below the threshold expected for the associated phenotype(s). This variant has been observed in one or more individuals affected with the associated recessive disease, as either homozygous or compound heterozygous with a second variant (PMID: 20188615). Given the available evidence, this variant is classified as Pathogenic.

Foundation for Research in Genetics and Endocrinology, FRIGE's Institute of Human Genetics
Classification: Pathogenic for Phenylketonuria. Last evaluated: 2025-10-28. Review status: criteria provided, single submitter. Criteria: ACMG Guidelines, 2015. Collection method: clinical testing. Allele origin: germline. Inheritance: Autosomal recessive inheritance. Affected: yes. Observed: 1 variant allele, 1 homozygote. Not counted in ClinVar's aggregate classification.
Comment: A homozygous 3’splice site variation in intron 7 of the PAH gene that affects the invariant AG acceptor splice site upstream of exon 8 was detected. The observed variant c.842+1G>A has not been reported in the 1000 genomes and has a minor allele frequency of 0.0042% in the gnomAD databases. The in silico prediction of the variant is deleterious by MutationTaster2, DANN and SpliceAI. In summary, the variant meets our criteria to be classified as pathogenic.

Quest Diagnostics Nichols Institute San Juan Capistrano
Classification: Pathogenic. Last evaluated: 2024-10-30. Review status: criteria provided, single submitter. Criteria: Quest Diagnostics criteria. Collection method: clinical testing. Allele origin: unknown. Not counted in ClinVar's aggregate classification.
Comment: The PAH c.842+1G>A variant disrupts a canonical splice-donor site and interferes with normal PAH mRNA splicing. This variant has been reported in the published literature in individuals with phenylketonuria (PKU) phenotypes, including mild PKU, classic PKU, and hyperphenylalaninemia (HPA) (PMIDs: 38105685 (2023), 36845377 (2023), 34828281 (2021), 33465300 (2021), 33375644 (2020), 30747360 (2019), 30050108 (2018), 27121329 (2016), 24941924 (2015), 23932990 (2013), 23856132 (2013), 23764561 (2013), 23430918 (2012), 20920871 (2011), 20188615 (2010), 19609714 (2009), 19444284 (2009), 17096675 (2007), 16601866 (2006), 16256386 (2005), 16198137 (2005), 12655553 (2003), 12649065 (2003), 10394930 (1999), 1671810 (1991)). The frequency of this variant in the general population, 0.000078 (10/128996 chromosomes (Genome Aggregation Database)), is consistent with pathogenicity. Based on the available information, this variant is classified as pathogenic.

Dubai Health Genomic Medicine Center, Dubai Health
Classification: Pathogenic for Hyperphenylalaninemia. Last evaluated: 2024-10-04. Review status: criteria provided, single submitter. Criteria: ACMG Guidelines, 2015. Collection method: research. Allele origin: germline. Affected: yes. Not counted in ClinVar's aggregate classification.
Comment: PVS1, PM2, PP4, PM3

Blueprint Genetics
Classification: Pathogenic for PAH-related disorders. Last evaluated: 2023-11-30. Review status: criteria provided, single submitter. Criteria: ACMG Guidelines, 2015. Collection method: clinical testing. Allele origin: germline. Affected: yes. Observed: 4 variant alleles. Not counted in ClinVar's aggregate classification.

Revvity Omics, Revvity
Classification: Pathogenic for Phenylketonuria. Last evaluated: 2023-09-06. Review status: criteria provided, single submitter. Criteria: ACMG Guidelines, 2015. Collection method: clinical testing. Allele origin: germline. Not counted in ClinVar's aggregate classification.

Neuberg Centre For Genomic Medicine, NCGM
Classification: Pathogenic for Phenylketonuria. Last evaluated: 2023-06-22. Review status: criteria provided, single submitter. Criteria: ACMG Guidelines, 2015. Collection method: clinical testing. Allele origin: germline. Inheritance: Autosomal recessive inheritance. Affected: yes. Not counted in ClinVar's aggregate classification.
Comment: The observed splice donor variant c.842+1G>A in the PAH gene has been reported previously in multiple individuals with phenylketonuria (Vieira Neto E, et al., 2018; Vela-Amieva M, et al., 2015). This variant is reported with the allele frequency 0.004% in the gnomAD Exomes. This variant has been reported to the ClinVar database as Pathogenic/Likely Pathogenic by multiple submitters with a status of reviewed by expert panel. The variant affects the GT donor splice site downstream of exon 7. Loss of function variants have been previously reported to be disease causing. The variant is predicted to be damaging by SpliceAI prediction tool. For these reasons, this variant has been classified as Pathogenic.

NM_000277.3(PAH):c.842+1G>A

Gene: PAH (phenylalanine hydroxylase; minus strand). Cytogenetic location: 12q23.2.
Variant type: single nucleotide variant.
Coding change: c.842+1G>A on transcript NM_000277.3 (MANE Select); the canonical splice donor site of the intron after coding-DNA position 842, G replaced by A.
Molecular consequence: splice donor variant.
Genome position (GRCh38, 1-based): chr12:102,852,814, C>T on the plus strand (G>A on the coding strand, the complement: PAH is on the minus strand). VCF-style: chr12-102852814-C-T. GRCh37 (hg19) VCF-style: chr12-103246592-C-T.
Other names: NM_000277.2(PAH):c.842+1G>A; IVS7DS, G-A, +1; c.842+1G>A (NM_001354304.2, NM_000277.2).
Identifiers: ClinVar variation 599 (VCV000000599.144), dbSNP rs5030852, ClinGen allele CA229811.